The following is an entry in ClinVar:

ClinVar aggregate classification (germline): Uncertain significance (1 of 4 stars; one submission).

Allele frequency attached by ClinVar (database versions not stated): ExAC 0.00003; TOPMed 0.00003; gnomAD 0.00004 and 0.00005; gnomAD exomes 0.00004.
gnomAD v4.1: 63 of 1,611,984 alleles (0.0039%); highest among the groups gnomAD compares: Middle Eastern, 0.033%; no homozygotes.

Submission:

Labcorp Genetics (formerly Invitae), Labcorp
Classification: Uncertain significance. Last evaluated: 2021-10-09. Review status: criteria provided, single submitter. Criteria: Invitae Variant Classification Sherloc (09022015). Collection method: clinical testing. Allele origin: germline.
Comment: This sequence change falls in intron 15 of the EPS8 gene. It does not directly change the encoded amino acid sequence of the EPS8 protein. It affects a nucleotide within the consensus splice site. This variant is present in population databases (rs778760655, ExAC 0.006%). This variant has not been reported in the literature in individuals affected with EPS8-related conditions. Variants that disrupt the consensus splice site are a relatively common cause of aberrant splicing (PMID: 17576681, 9536098). Algorithms developed to predict the effect of sequence changes on RNA splicing suggest that this variant is not likely to affect RNA splicing. In summary, the available evidence is currently insufficient to determine the role of this variant in disease. Therefore, it has been classified as a Variant of Uncertain Significance.

Literature cited by the submitters: PubMed 17576681; PubMed 9536098.

NM_004447.6(EPS8):c.1568+6A>G

Gene: EPS8 (EGFR pathway substrate 8, signaling adaptor; minus strand). Cytogenetic location: 12p12.3.
Variant type: single nucleotide variant.
Coding change: c.1568+6A>G on transcript NM_004447.6 (MANE Select); 6 bases into the intron after coding-DNA position 1568, A replaced by G.
Molecular consequence: intron variant.
Genome position (GRCh38, 1-based): chr12:15,647,121, T>C on the plus strand (A>G on the coding strand, the complement: EPS8 is on the minus strand). VCF-style: chr12-15647121-T-C. GRCh37 (hg19) VCF-style: chr12-15800055-T-C.
Identifiers: ClinVar variation 1360296 (VCV001360296.3), dbSNP rs778760655, ClinGen allele CA6467532.